The following is an entry in ClinVar:

NM_001369.3(DNAH5):c.2043G>A (p.Trp681Ter)

Gene: DNAH5 (dynein axonemal heavy chain 5; minus strand). Cytogenetic location: 5p15.2.
Variant type: single nucleotide variant.
Coding change: c.2043G>A on transcript NM_001369.3 (MANE Select); coding-DNA position 2043, G replaced by A.
Protein change: p.Trp681Ter; replaces tryptophan 681 with a stop codon.
Molecular consequence: nonsense.
Genome position (GRCh38, 1-based): chr5:13,901,261, C>T on the plus strand (G>A on the coding strand, the complement: DNAH5 is on the minus strand). VCF-style: chr5-13901261-C-T. GRCh37 (hg19) VCF-style: chr5-13901370-C-T.
Other names: short protein forms W681*.
Identifiers: ClinVar variation 4852603 (VCV004852603.2).
Genomic context (GRCh38, chr5:13,901,261, plus strand): 5'-AGGGGTTCCCATGATTCCAACAATGGGAAGAGTATAAATTTAGGGACTCACTTGCCGAAG[C>T]CACGCCCTGTGGAAGAGGACCTCAAACTCCAGGAGGACCTTGGCCATCCTGTTGTAACTG-3'

ClinVar aggregate classification (germline): Likely pathogenic (1 of 4 stars; one submission).

Submission:

Dasa
Classification: Likely pathogenic. Last evaluated: 2025-12-15. Review status: criteria provided, single submitter. Criteria: DASA Assertion Criteria. Collection method: clinical testing. Allele origin: germline.
Comment: NM_001369.3(DNAH5):c.2043G>A (p.Trp681*) is a nonsense variant in DNAH5 predicted to introduce a premature termination codon and is predicted to result in an absent or altered protein product. Loss of function is an established disease mechanism for DNAH5-associated disorders. Also, this variant is rare in population databases. Based on the currently available evidence, this variant is classified as likely pathogenic.